The following is an entry in ClinVar:

NM_018119.4(POLR3E):c.824C>T (p.Thr275Met)

Gene: POLR3E (RNA polymerase III subunit E). Cytogenetic location: 16p12.2.
Variant type: single nucleotide variant.
Coding change: c.824C>T on transcript NM_018119.4 (MANE Select); coding-DNA position 824, C replaced by T.
Protein change: p.Thr275Met; replaces threonine 275 with methionine.
Molecular consequence: missense variant. On other transcripts: non-coding transcript variant (1).
Genome position (GRCh38, 1-based): chr16:22,317,165, C>T. VCF-style: chr16-22317165-C-T. GRCh37 (hg19) VCF-style: chr16-22328486-C-T.
Other names: c.824C>T, p.Thr275Met (NM_001258033.2, NM_001258036.2); c.716C>T, p.Thr239Met (NM_001258034.2, NM_001258035.2); short protein forms T239M, T275M.
Identifiers: ClinVar variation 2646313 (VCV002646313.24), dbSNP rs143440180, ClinGen allele CA7956836.

ClinVar aggregate classification (germline): Benign (1 of 4 stars; one submission).

Allele frequency attached by ClinVar (database versions not stated): 1000 Genomes Project 0.00519; 1000 Genomes Project 30x 0.00531; TOPMed 0.00736; gnomAD 0.00738; ExAC 0.00791; ESP Exome Variant Server 0.00831; gnomAD exomes 0.00976.
gnomAD v4.1: 15,413 of 1,613,894 alleles (0.96%); highest among the groups gnomAD compares: Non-Finnish European, 1.1%; 92 homozygotes.

Submission:

CeGaT Center for Human Genetics Tuebingen
Classification: Benign. Last evaluated: 2024-01-01. Review status: criteria provided, single submitter. Criteria: CeGaT Center For Human Genetics Tuebingen Variant Classification Criteria Version 2. Collection method: clinical testing. Allele origin: germline. Affected: yes. Observed: 2 variant alleles.
Comment: POLR3E: BS1, BS2